The following is an entry in ClinVar:

ClinVar aggregate classification (germline): Likely benign. Review status: criteria provided, multiple submitters, no conflicts (2 of 4 stars). 2 submissions from 2 submitters: Likely benign (2). Last evaluated 2018-06-16.

Allele frequency attached by ClinVar (database versions not stated): 1000 Genomes Project 30x 0.00484; 1000 Genomes Project 0.00519; ExAC 0.01375; gnomAD exomes 0.01591; TOPMed 0.01631; gnomAD 0.02018.
gnomAD v4.1: 33,184 of 1,416,526 alleles (2.3%); highest among the groups gnomAD compares: Non-Finnish European, 2.8%; 461 homozygotes.

Submissions (2):

GeneDx
Classification: Likely benign. Last evaluated: 2018-06-16. Review status: criteria provided, single submitter. Criteria: GeneDx Variant Classification (06012015). Collection method: clinical testing. Allele origin: germline. Affected: yes.
Comment: This variant is considered likely benign or benign based on one or more of the following criteria: it is a conservative change, it occurs at a poorly conserved position in the protein, it is predicted to be benign by multiple in silico algorithms, and/or has population frequency not consistent with disease.

Breakthrough Genomics
Classification: Likely benign. Review status: criteria provided, single submitter. Criteria: ACMG Guidelines, 2015. Collection method: not provided. Allele origin: germline. Inheritance: Autosomal recessive inheritance. Affected: yes.

NM_001292063.2(OTOG):c.3525+37C>T

Gene: OTOG (otogelin; plus strand). Cytogenetic location: 11p15.1.
Variant type: single nucleotide variant.
Coding change: c.3525+37C>T on transcript NM_001292063.2 (MANE Select); 37 bases into the intron after coding-DNA position 3525, C replaced by T.
Molecular consequence: intron variant.
Genome position (GRCh38, 1-based): chr11:17,596,191, C>T. VCF-style: chr11-17596191-C-T. GRCh37 (hg19) VCF-style: chr11-17617738-C-T.
Other names: c.3561+37C>T (NM_001277269.2).
Identifiers: ClinVar variation 683032 (VCV000683032.2), dbSNP rs117718159, ClinGen allele CA5905749.